The following is an entry in ClinVar:

ClinVar aggregate classification (germline): Benign/Likely benign. Review status: criteria provided, multiple submitters, no conflicts (2 of 4 stars). 7 submissions from 7 submitters: Benign (6); Likely benign (1). Last evaluated 2026-05-01.

Conditions:
Primary ciliary dyskinesia. Also called: Ciliary dyskinesia. Identifiers: Orphanet 244, MedGen C0008780, MONDO:0016575, HP:0012265.
Primary ciliary dyskinesia 7. Also called: CILIARY DYSKINESIA, PRIMARY, 7, WITH OR WITHOUT SITUS INVERSUS. Identifiers: Orphanet 244, MedGen C2678473, MONDO:0012748, OMIM 611884.

Allele frequency attached by ClinVar (database versions not stated): 1000 Genomes Project 30x 0.00312; 1000 Genomes Project 0.00359; TOPMed 0.00807; ESP Exome Variant Server 0.00942.
gnomAD v4.1: 18,142 of 1,613,828 alleles (1.1%); highest among the groups gnomAD compares: Non-Finnish European, 1.2%; 166 homozygotes.

Submissions (7):

CeGaT Center for Human Genetics Tuebingen
Classification: Benign. Last evaluated: 2026-05-01. Review status: criteria provided, single submitter. Criteria: CeGaT Center For Human Genetics Tuebingen Variant Classification Criteria Version 2. Collection method: clinical testing. Allele origin: germline. Affected: yes. Observed: 22 variant alleles.
Comment: DNAH11: BP4, BP7, BS1, BS2

Labcorp Genetics (formerly Invitae), Labcorp
Classification: Benign for Primary ciliary dyskinesia. Last evaluated: 2026-01-28. Review status: criteria provided, single submitter. Criteria: Invitae Variant Classification Sherloc (09022015). Collection method: clinical testing. Allele origin: germline.

ARUP Laboratories, Molecular Genetics and Genomics, ARUP Laboratories
Classification: Benign for Primary ciliary dyskinesia 7. Last evaluated: 2025-07-02. Review status: criteria provided, single submitter. Criteria: ARUP Molecular Germline Variant Investigation Process 2024. Collection method: clinical testing. Allele origin: germline.

Blueprint Genetics
Classification: Likely benign. Last evaluated: 2024-11-26. Review status: criteria provided, single submitter. Criteria: ACMG Guidelines, 2015. Collection method: clinical testing. Allele origin: germline.

Mayo Clinic Laboratories, Mayo Clinic
Classification: Benign. Last evaluated: 2024-03-13. Review status: criteria provided, single submitter. Criteria: ACMG Guidelines, 2015. Collection method: clinical testing. Allele origin: germline. Observed: 4 variant alleles.
Comment: BA1, BP4, BP7

Laboratory for Molecular Medicine, Mass General Brigham Personalized Medicine
Classification: Benign. Last evaluated: 2013-02-21. Review status: criteria provided, single submitter. Criteria: LMM Criteria. Collection method: clinical testing. Allele origin: germline. Observed: 2 variant alleles.
Comment: Pro4421Pro in exon 81 of DNAH11: This variant is not expected to have clinical s ignificance because it does not alter an amino acid residue and is not located w ithin the splice consensus sequence. It has been identified in 1.2% (101/8216) o f European American chromosomes from a broad population by the NHLBI Exome Seque ncing Project (dbSNP rs72658834).

PreventionGenetics, part of Exact Sciences
Classification: Benign. Review status: criteria provided, single submitter. Criteria: ACMG Guidelines, 2015. Collection method: clinical testing. Allele origin: germline.

NM_001277115.2(DNAH11):c.13263G>C (p.Pro4421=)

Gene: DNAH11 (dynein axonemal heavy chain 11; plus strand). Cytogenetic location: 7p15.3.
Variant type: single nucleotide variant.
Coding change: c.13263G>C on transcript NM_001277115.2 (MANE Select); coding-DNA position 13263, G replaced by C.
Protein change: p.Pro4421=; no amino-acid change (proline 4421 retained).
Molecular consequence: synonymous variant.
Genome position (GRCh38, 1-based): chr7:21,900,080, G>C. VCF-style: chr7-21900080-G-C. GRCh37 (hg19) VCF-style: chr7-21939698-G-C.
Other names: p.Pro4421=.
Identifiers: ClinVar variation 163129 (VCV000163129.52), dbSNP rs72658834, ClinGen allele CA175763.